The following is an entry in ClinVar:

ClinVar aggregate classification (germline): Benign/Likely benign. Review status: criteria provided, multiple submitters, no conflicts (2 of 4 stars). 12 submissions from 12 submitters: Benign (8); Likely benign (1). 3 of the submissions do not count toward it. Last evaluated 2026-02-03.

Conditions:
Polycystic liver disease 1 (PCLD1). Also called: Polycystic liver disease 1 with or without kidney cysts. Identifiers: Orphanet 2924, MedGen C0887850, MONDO:0008265, OMIM 174050.

Allele frequency attached by ClinVar (database versions not stated): gnomAD exomes 0.98998 and 0.99212; ExAC 0.99220; ESP Exome Variant Server 0.99231; gnomAD 0.99255 and 0.99258; TOPMed 0.99419; 1000 Genomes Project 0.99461; 1000 Genomes Project 30x 0.99469.

Submissions (12):

Labcorp Genetics (formerly Invitae), Labcorp
Classification: Benign. Last evaluated: 2026-02-03. Review status: criteria provided, single submitter. Criteria: Invitae Variant Classification Sherloc (09022015). Collection method: clinical testing. Allele origin: germline.

Mayo Clinic Laboratories, Mayo Clinic
Classification: Likely benign. Last evaluated: 2025-08-27. Review status: criteria provided, single submitter. Criteria: ACMG Guidelines, 2015. Collection method: clinical testing. Allele origin: germline. Observed: 43 variant alleles.
Comment: BP4, BP7

Blueprint Genetics
Classification: Benign. Last evaluated: 2024-11-28. Review status: criteria provided, single submitter. Criteria: ACMG Guidelines, 2015. Collection method: clinical testing. Allele origin: germline.

Genome-Nilou Lab
Classification: Benign for Polycystic liver disease 1. Last evaluated: 2021-10-25. Review status: criteria provided, single submitter. Criteria: ACMG Guidelines, 2015. Collection method: clinical testing. Allele origin: germline. Affected: no.

GeneDx
Classification: Benign. Last evaluated: 2018-07-09. Review status: criteria provided, single submitter. Criteria: GeneDx Variant Classification Process June 2021. Collection method: clinical testing. Allele origin: germline. Affected: yes.

Illumina Laboratory Services, Illumina
Classification: Benign for Polycystic liver disease 1. Last evaluated: 2018-01-13. Review status: criteria provided, single submitter. Criteria: ICSL Variant Classification Criteria 13 December 2019. Collection method: clinical testing. Allele origin: germline.
Comment: This variant was observed in the ICSL laboratory as part of a predisposition screen in an ostensibly healthy population. It had not been previously curated by ICSL or reported in the Human Gene Mutation Database (HGMD: prior to June 1st, 2018), and was therefore a candidate for classification through an automated scoring system. Utilizing variant allele frequency, disease prevalence and penetrance estimates, and inheritance mode, an automated score was calculated to assess if this variant is too frequent to cause the disease. Based on the score and internal cut-off values, a variant classified as benign is not then subjected to further curation. The score for this variant resulted in a classification of benign for this disease.

Eurofins Ntd Llc (ga)
Classification: Benign. Last evaluated: 2016-08-05. Review status: criteria provided, single submitter. Criteria: EGL Classification Definitions 2015. Collection method: clinical testing. Allele origin: germline. Observed: 38 variant alleles, 2 heterozygotes, 36 homozygotes.

Breakthrough Genomics
Classification: Benign. Review status: criteria provided, single submitter. Criteria: ACMG Guidelines, 2015. Collection method: not provided. Allele origin: germline. Inheritance: Autosomal dominant inheritance. Affected: yes.

PreventionGenetics, part of Exact Sciences
Classification: Benign. Review status: criteria provided, single submitter. Criteria: ACMG Guidelines, 2015. Collection method: clinical testing. Allele origin: germline.

Clinical Genetics DNA and cytogenetics Diagnostics Lab, Erasmus MC, Erasmus Medical Center
Classification: Benign. Review status: no assertion criteria provided. Collection method: clinical testing. Allele origin: germline. Affected: yes. Study: VKGL Data-share Consensus. Not counted in ClinVar's aggregate classification.

Diagnostic Laboratory, Department of Genetics, University Medical Center Groningen
Classification: Benign. Review status: no assertion criteria provided. Collection method: clinical testing. Allele origin: germline. Affected: yes. Study: VKGL Data-share Consensus. Not counted in ClinVar's aggregate classification.

Joint Genome Diagnostic Labs from Nijmegen and Maastricht, Radboudumc and MUMC+
Classification: Benign. Review status: no assertion criteria provided. Collection method: clinical testing. Allele origin: germline. Affected: yes. Study: VKGL Data-share Consensus. Not counted in ClinVar's aggregate classification.

NM_001289104.2(PRKCSH):c.850-14T>C

Gene: PRKCSH (PRKCSH beta subunit of glucosidase II; plus strand). Cytogenetic location: 19p13.2.
Variant type: single nucleotide variant.
Coding change: c.850-14T>C on transcript NM_001289104.2 (MANE Select); 14 bases into the intron before coding-DNA position 850, T replaced by C.
Molecular consequence: intron variant.
Genome position (GRCh38, 1-based): chr19:11,447,425, T>C. VCF-style: chr19-11447425-T-C. GRCh37 (hg19) VCF-style: chr19-11558240-T-C.
Other names: p.?; c.850-14T>C (NM_001289103.2, NM_001379609.1, NM_001379608.1 and 3 more transcripts).
Identifiers: ClinVar variation 94078 (VCV000094078.33), dbSNP rs186375, ClinGen allele CA147587.